The following is an entry in ClinVar:

ClinVar aggregate classification (germline): Uncertain significance. Review status: criteria provided, multiple submitters, no conflicts (2 of 4 stars). 2 submissions from 2 submitters: Uncertain significance (2). Last evaluated 2024-08-03.

Conditions:
Ataxia-telangiectasia syndrome (AT). Also called: Ataxia telangiectasia (A-T); ATAXIA-TELANGIECTASIA, COMPLEMENTATION GROUP A; ATAXIA-TELANGIECTASIA, FRESNO VARIANT; Ataxia-telangiectasia; Ataxia-telangiectasia, complementation group E; LOUIS-BAR SYNDROME. Identifiers: Orphanet 100, MedGen C0004135, MONDO:0008840, OMIM 208900.
Hereditary cancer-predisposing syndrome. Also called: Neoplastic Syndromes, Hereditary; Tumor predisposition; Hereditary Cancer Syndrome; Hereditary neoplastic syndrome. Identifiers: Orphanet 140162, MedGen C0027672, MeSH D009386, MONDO:0015356.

Submissions (2):

Ambry Genetics
Classification: Uncertain significance for Hereditary cancer-predisposing syndrome. Last evaluated: 2024-08-03. Review status: criteria provided, single submitter. Criteria: Ambry Variant Classification Scheme 2023. Collection method: clinical testing. Allele origin: germline.
Comment: The p.I2316T variant (also known as c.6947T>C), located in coding exon 46 of the ATM gene, results from a T to C substitution at nucleotide position 6947. The isoleucine at codon 2316 is replaced by threonine, an amino acid with similar properties. This amino acid position is conserved. In addition, this alteration is predicted to be deleterious by in silico analysis. Based on the available evidence, the clinical significance of this variant remains unclear.

Labcorp Genetics (formerly Invitae), Labcorp
Classification: Uncertain significance for Ataxia-telangiectasia syndrome. Last evaluated: 2023-08-10. Review status: criteria provided, single submitter. Criteria: Invitae Variant Classification Sherloc (09022015). Collection method: clinical testing. Allele origin: germline.
Comment: In summary, the available evidence is currently insufficient to determine the role of this variant in disease. Therefore, it has been classified as a Variant of Uncertain Significance. An algorithm developed to predict the effect of missense changes on protein structure and function (PolyPhen-2) suggests that this variant is likely to be disruptive. ClinVar contains an entry for this variant (Variation ID: 1061360). This variant has not been reported in the literature in individuals affected with ATM-related conditions. This variant is not present in population databases (gnomAD no frequency). This sequence change replaces isoleucine, which is neutral and non-polar, with threonine, which is neutral and polar, at codon 2316 of the ATM protein (p.Ile2316Thr).

NM_000051.4(ATM):c.6947T>C (p.Ile2316Thr)

Genes: ATM (ATM serine/threonine kinase; plus strand), C11orf65 (chromosome 11 open reading frame 65; minus strand). Cytogenetic location: 11q22.3.
Variant type: single nucleotide variant.
Coding change: c.6947T>C on transcript NM_000051.4 (MANE Select); coding-DNA position 6947, T replaced by C.
Protein change: p.Ile2316Thr; replaces isoleucine 2316 with threonine.
Molecular consequence: missense variant. On other transcripts: intron variant (2).
Genome position (GRCh38, 1-based): chr11:108,326,197, T>C. VCF-style: chr11-108326197-T-C. GRCh37 (hg19) VCF-style: chr11-108196924-T-C.
Other names: c.6947T>C, p.Ile2316Thr (NM_001351834.2); c.641-17126A>G (NM_001330368.2); c.*38+9023A>G (NM_001351110.2); short protein forms I2316T.
Identifiers: ClinVar variation 1061360 (VCV001061360.10), dbSNP rs1591134289, ClinGen allele CA382557300.
Genomic context (GRCh38, chr11:108,326,197, plus strand): 5'-CACAAGTATTCTGGGCAAAAAAGGAGCAGAGTCTTGCCCTGAGTATTCTCAAGCAAATGA[T>C]CAAGAAGTTGGATGCCAGCTGTGCAGCGGTTTGTTTTTTTTATTGGCTGGATTAGTGTTT-3'
Protein context (NP_000042.3, residues 2306-2326): SLALSILKQM[Ile2316Thr]KKLDASCAAN